The following is an entry in ClinVar:

ClinVar aggregate classification (germline): Uncertain significance (1 of 4 stars; one submission).

Conditions:
Combined immunodeficiency with skin granulomas. Identifiers: Orphanet 157949, MedGen C2673536, MONDO:0009306, OMIM 233650.
Severe combined immunodeficiency, autosomal recessive, T cell-negative, B cell-negative, NK cell-positive. Also called: SCID, T CELL-NEGATIVE, B CELL-NEGATIVE, NK CELL-POSITIVE; Severe combined immunodeficiency due to complete RAG1/2 deficiency; SCID, AR, T-cell negative, B-cell negative, NK cell-positive. Identifiers: Orphanet 331206, MedGen C1832322, MONDO:0011086, OMIM 601457.

gnomAD v4.1: 1 of 1,614,156 alleles (0.000062%); highest among the groups gnomAD compares: Non-Finnish European, 0.000085%; no homozygotes.

Submission:

Labcorp Genetics (formerly Invitae), Labcorp
Classification: Uncertain significance for Combined immunodeficiency with skin granulomas; Severe combined immunodeficiency, autosomal recessive, T cell-negative, B cell-negative, NK cell-positive. Last evaluated: 2021-06-08. Review status: criteria provided, single submitter. Criteria: Invitae Variant Classification Sherloc (09022015). Collection method: clinical testing. Allele origin: germline.
Comment: This sequence change replaces isoleucine with valine at codon 729 of the RAG1 protein (p.Ile729Val). The isoleucine residue is highly conserved and there is a small physicochemical difference between isoleucine and valine. This variant is present in population databases (rs201192233, ExAC 0.001%). This variant has not been reported in the literature in individuals with RAG1-related conditions. Advanced modeling of protein sequence and biophysical properties (such as structural, functional, and spatial information, amino acid conservation, physicochemical variation, residue mobility, and thermodynamic stability) performed at Invitae indicates that this missense variant is not expected to disrupt RAG1 protein function. In summary, the available evidence is currently insufficient to determine the role of this variant in disease. Therefore, it has been classified as a Variant of Uncertain Significance.

NM_000448.3(RAG1):c.2185A>G (p.Ile729Val)

Gene: RAG1 (recombination activating 1; plus strand). Cytogenetic location: 11p12.
Variant type: single nucleotide variant.
Coding change: c.2185A>G on transcript NM_000448.3 (MANE Select); coding-DNA position 2185, A replaced by G.
Protein change: p.Ile729Val; replaces isoleucine 729 with valine.
Molecular consequence: missense variant.
Genome position (GRCh38, 1-based): chr11:36,575,489, A>G. VCF-style: chr11-36575489-A-G. GRCh37 (hg19) VCF-style: chr11-36597039-A-G.
Other names: c.2185A>G, p.Ile729Val (NM_001377277.1, NM_001377278.1, NM_001377279.1 and 1 more transcripts); short protein forms I729V.
Identifiers: ClinVar variation 1508197 (VCV001508197.8), dbSNP rs201192233, ClinGen allele CA5950224.